The following is an entry in ClinVar:

NM_001148.6(ANK2):c.8239C>T (p.Arg2747Cys)

Gene: ANK2 (ankyrin 2; plus strand). Cytogenetic location: 4q26.
Variant type: single nucleotide variant.
Coding change: c.8239C>T on transcript NM_001148.6 (MANE Select); coding-DNA position 8239, C replaced by T.
Protein change: p.Arg2747Cys; replaces arginine 2747 with cysteine.
Molecular consequence: missense variant. On other transcripts: intron variant (68).
Genome position (GRCh38, 1-based): chr4:113,356,857, C>T. VCF-style: chr4-113356857-C-T. GRCh37 (hg19) VCF-style: chr4-114278013-C-T.
Other names: c.8005C>T, p.Arg2669Cys (NM_001386142.1); c.4639C>T, p.Arg1547Cys (NM_001386166.1); c.8380C>T, p.Arg2794Cys (NM_001386174.1); c.8356C>T, p.Arg2786Cys (NM_001386175.1); c.4412-3966C>T (NM_001386186.2, NM_001386148.2); c.4214-3966C>T (NM_001354269.3); c.4292-3966C>T (NM_001386187.2); c.4253-3966C>T (NM_001386147.1); and 35 more; short protein forms R2747C, R1547C, R2669C, R2786C, R2794C.
Identifiers: ClinVar variation 457059 (VCV000457059.12), dbSNP rs376628082, ClinGen allele CA3051735.
Genomic context (GRCh38, chr4:113,356,857, plus strand): 5'-CAGGAAGAGCCAGGCAAATCAGAAGAAGAAAAAGATTCTGAATCCCATTTAGCTGAAGAC[C>T]GTCATGCTGTTTCCACTGAGGCTGAAGACAGGTCTTATGATAAGCTAAACAGAGACACTG-3'
Protein context (NP_001139.3, residues 2737-2757): KDSESHLAED[Arg2747Cys]HAVSTEAEDR

ClinVar aggregate classification (germline): Conflicting classifications of pathogenicity. Review status: criteria provided, conflicting classifications (1 of 4 stars). 3 submissions from 3 submitters: Uncertain significance (2); Likely benign (1). Last evaluated 2025-10-10.

Conditions:
Long QT syndrome (LQTS). Identifiers: MedGen C0023976, MeSH D008133, MONDO:0002442. Disease mechanism: loss of function. Inheritance: Various modes of inheritance.
Cardiovascular phenotype. Identifiers: MedGen CN230736.

Allele frequency attached by ClinVar (database versions not stated): gnomAD exomes 0.00003; ExAC 0.00006; TOPMed 0.00006; ESP Exome Variant Server 0.00008; gnomAD 0.00013; 1000 Genomes Project 30x 0.00016; 1000 Genomes Project 0.00020.
gnomAD v4.1: 54 of 1,613,974 alleles (0.0033%); highest among the groups gnomAD compares: African/African-American, 0.011%; no homozygotes.

Submissions (3):

Labcorp Genetics (formerly Invitae), Labcorp
Classification: Uncertain significance for Long QT syndrome. Last evaluated: 2025-10-10. Review status: criteria provided, single submitter. Criteria: Invitae Variant Classification Sherloc (09022015). Collection method: clinical testing. Allele origin: germline.
Comment: This sequence change replaces arginine, which is basic and polar, with cysteine, which is neutral and slightly polar, at codon 2747 of the ANK2 protein (p.Arg2747Cys). This variant is present in population databases (rs376628082, gnomAD 0.02%). This variant has not been reported in the literature in individuals affected with ANK2-related conditions. ClinVar contains an entry for this variant (Variation ID: 457059). An algorithm developed to predict the effect of missense changes on protein structure and function outputs the following: PolyPhen-2: "Benign". The cysteine amino acid residue is found in multiple mammalian species, which suggests that this missense change does not adversely affect protein function. In summary, the available evidence is currently insufficient to determine the role of this variant in disease. Therefore, it has been classified as a Variant of Uncertain Significance.

Ambry Genetics
Classification: Likely benign for Cardiovascular phenotype. Last evaluated: 2021-09-21. Review status: criteria provided, single submitter. Criteria: Ambry Variant Classification Scheme 2023. Collection method: clinical testing. Allele origin: germline.

GeneDx
Classification: Uncertain significance. Last evaluated: 2020-12-21. Review status: criteria provided, single submitter. Criteria: GeneDx Variant Classification Process June 2021. Collection method: clinical testing. Allele origin: germline. Affected: yes.
Comment: Has not been previously published as pathogenic or benign to our knowledge; In silico analysis supports that this missense variant does not alter protein structure/function; Located in exon 38, which is reported as being expressed in a brain-specific transcript (Otto et al, 1991; Cunha et al, 2008; Wu et al, 2015); Reported in ClinVar as a variant of uncertain significance (ClinVar Variant ID# 457059; Landrum et al., 2016)